The following is an entry in ClinVar:

ClinVar aggregate classification (germline): Uncertain significance. Review status: criteria provided, multiple submitters, no conflicts (2 of 4 stars). 3 submissions from 3 submitters: Uncertain significance (3). Last evaluated 2026-07-09.

Conditions:
Cardiovascular phenotype. Identifiers: MedGen CN230736.

gnomAD v4.1: 10 of 1,611,758 alleles (0.00062%); highest among the groups gnomAD compares: Non-Finnish European, 0.00085%; no homozygotes.

Submissions (3):

Ambry Genetics
Classification: Uncertain significance for Cardiovascular phenotype. Last evaluated: 2026-07-09. Review status: criteria provided, single submitter. Criteria: Ambry Variant Classification Scheme 2023. Collection method: clinical testing. Allele origin: germline.
Comment: The p.F3L variant (also known as c.9C>A), located in coding exon 1 of the TBX20 gene, results from a C to A substitution at nucleotide position 9. The phenylalanine at codon 3 is replaced by leucine, an amino acid with highly similar properties. This amino acid position is conserved. In addition, this alteration is predicted to be tolerated by in silico analysis. Based on the available evidence, the clinical significance of this variant remains unclear.

Labcorp Genetics (formerly Invitae), Labcorp
Classification: Uncertain significance. Last evaluated: 2025-02-23. Review status: criteria provided, single submitter. Criteria: Invitae Variant Classification Sherloc (09022015). Collection method: clinical testing. Allele origin: germline.
Comment: This sequence change replaces phenylalanine, which is neutral and non-polar, with leucine, which is neutral and non-polar, at codon 3 of the TBX20 protein (p.Phe3Leu). This variant is not present in population databases (gnomAD no frequency). This variant has not been reported in the literature in individuals affected with TBX20-related conditions. An algorithm developed to predict the effect of missense changes on protein structure and function (PolyPhen-2) suggests that this variant is likely to be tolerated. In summary, the available evidence is currently insufficient to determine the role of this variant in disease. Therefore, it has been classified as a Variant of Uncertain Significance.

GeneDx
Classification: Uncertain significance. Last evaluated: 2024-07-25. Review status: criteria provided, single submitter. Criteria: GeneDx Variant Classification Process June 2021. Collection method: clinical testing. Allele origin: germline. Affected: yes.
Comment: Not observed at significant frequency in large population cohorts (gnomAD); In silico analysis indicates that this missense variant does not alter protein structure/function; Has not been previously published as pathogenic or benign to our knowledge

NM_001077653.2(TBX20):c.9C>A (p.Phe3Leu)

Gene: TBX20 (T-box transcription factor 20; minus strand). Cytogenetic location: 7p14.2.
Variant type: single nucleotide variant.
Coding change: c.9C>A on transcript NM_001077653.2 (MANE Select); coding-DNA position 9, C replaced by A.
Protein change: p.Phe3Leu; replaces phenylalanine 3 with leucine.
Molecular consequence: missense variant.
Genome position (GRCh38, 1-based): chr7:35,253,612, G>T on the plus strand (C>A on the coding strand, the complement: TBX20 is on the minus strand). VCF-style: chr7-35253612-G-T. GRCh37 (hg19) VCF-style: chr7-35293223-G-T.
Other names: c.9C>A, p.Phe3Leu (NM_001166220.1); short protein forms F3L.
Identifiers: ClinVar variation 3600813 (VCV003600813.4).
Genomic context (GRCh38, chr7:35,253,612, plus strand): 5'-GAGCGCGGCAATGGAGAAGGCGTTGGCCCGAGAGGAGAGTTGGGGCTTGGGGGACGCCGT[G>T]AACTCCATGGTCCCCAGCACGCGGTCCTGGCCAGGGACGGGGTCGTCCGAACTGCCGTCC-3'
Protein context (NP_001071121.1, residues 1-13): ME[Phe3Leu]TASPKPQLSS